The following is an entry in ClinVar:

NM_001267550.2(TTN):c.81737T>C (p.Ile27246Thr)

Genes: TTN (titin; minus strand), TTN-AS1 (TTN antisense RNA 1; plus strand). Cytogenetic location: 2q31.2.
Variant type: single nucleotide variant.
Coding change: c.81737T>C on transcript NM_001267550.2 (MANE Select); coding-DNA position 81737, T replaced by C.
Protein change: p.Ile27246Thr; replaces isoleucine 27246 with threonine.
Molecular consequence: missense variant.
Genome position (GRCh38, 1-based): chr2:178,564,395, A>G on the plus strand (T>C on the coding strand, the complement: TTN is on the minus strand). VCF-style: chr2-178564395-A-G. GRCh37 (hg19) VCF-style: chr2-179429122-A-G.
Other names: c.76814T>C, p.Ile25605Thr (NM_001256850.1); c.54542T>C, p.Ile18181Thr (NM_003319.4); c.74033T>C, p.Ile24678Thr (NM_133378.4); c.54917T>C, p.Ile18306Thr (NM_133432.3); c.55118T>C, p.Ile18373Thr (NM_133437.4); short protein forms I18181T, I27246T, I24678T, I18373T, I18306T, I25605T.
Identifiers: ClinVar variation 519111 (VCV000519111.12), dbSNP rs367603381, ClinGen allele CA1989164.

ClinVar aggregate classification (germline): Conflicting classifications of pathogenicity. Review status: criteria provided, conflicting classifications (1 of 4 stars). 5 submissions from 5 submitters: Uncertain significance (3); Likely benign (2). Last evaluated 2025-12-09.

Conditions:
TTN-related disorder. Also called: TTN-related condition; TTN-related disease; TTN-related disorders.
Cardiovascular phenotype. Identifiers: MedGen CN230736.
Myopathy, myofibrillar, 9, with early respiratory failure (MFM9). Also called: Hereditary myopathy with early respiratory failure; EDSTROM MYOPATHY; MYOPATHY, PROXIMAL, WITH EARLY RESPIRATORY MUSCLE INVOLVEMENT; Myopathy, distal, with early respiratory failure, autosomal dominant. Identifiers: Orphanet 178464, Orphanet 34521, MedGen C1863599, MONDO:0011362, OMIM 603689.
Autosomal recessive limb-girdle muscular dystrophy type 2J (LGMDR10). Also called: Limb-girdle muscular dystrophy, type 2J; MUSCULAR DYSTROPHY, LIMB-GIRDLE, AUTOSOMAL RECESSIVE 10. Identifiers: Orphanet 140922, MedGen C1837342, MONDO:0012127, OMIM 608807.
Dilated cardiomyopathy 1G (CMD1G). Identifiers: Orphanet 154, MedGen C1858763, MONDO:0011400, OMIM 604145.
Early-onset myopathy with fatal cardiomyopathy (CMYO5). Also called: Salih Myopathy; CONGENITAL MYOPATHY 5 WITH CARDIOMYOPATHY. Identifiers: Orphanet 289377, MedGen C2673677, MONDO:0012714, OMIM 611705. Disease mechanism: loss of function.
Tibial muscular dystrophy (TMD). Also called: Udd Distal Myopathy – Tibial Muscular Dystrophy; UDD MYOPATHY; Tibial muscular dystrophy, tardive. Identifiers: Orphanet 609, MedGen C1838244, MONDO:0010870, OMIM 600334.
Hypertrophic cardiomyopathy 9. Also called: Familial hypertrophic cardiomyopathy 9. Identifiers: MedGen C1861065, MONDO:0013412, OMIM 613765.

Allele frequency attached by ClinVar (database versions not stated): gnomAD exomes 0.00002 and 0.00003; ExAC 0.00003; gnomAD 0.00003 and 0.00005; TOPMed 0.00004; ESP Exome Variant Server 0.00008.
gnomAD v4.1: 33 of 1,613,424 alleles (0.002%); highest among the groups gnomAD compares: Admixed American, 0.012%; no homozygotes.

Submissions (5):

PreventionGenetics, part of Exact Sciences
Classification: Uncertain significance for TTN-related condition. Last evaluated: 2025-12-09. Review status: criteria provided, single submitter. Criteria: ACMG Guidelines, 2015. Collection method: clinical testing. Allele origin: germline.
Comment: The TTN c.81737T>C variant is predicted to result in the amino acid substitution p.Ile27246Thr. To our knowledge, this variant has not been reported in the literature. This variant is reported in 0.012% of alleles in individuals of African descent in gnomAD. At this time, the clinical significance of this variant is uncertain due to the absence of conclusive functional and genetic evidence.

Molecular Diagnostic Laboratory for Inherited Cardiovascular Disease, Montreal Heart Institute
Classification: Likely benign. Last evaluated: 2025-04-09. Review status: criteria provided, single submitter. Criteria: ACMG Guidelines, 2015. Collection method: clinical testing. Allele origin: germline. Affected: no.

Ambry Genetics
Classification: Likely benign for Cardiovascular phenotype. Last evaluated: 2020-05-20. Review status: criteria provided, single submitter. Criteria: Ambry Variant Classification Scheme 2023. Collection method: clinical testing. Allele origin: germline.

Fulgent Genetics
Classification: Uncertain significance for Tibial muscular dystrophy; Myopathy, myofibrillar, 9, with early respiratory failure; Dilated cardiomyopathy 1G; Autosomal recessive limb-girdle muscular dystrophy type 2J; Early-onset myopathy with fatal cardiomyopathy; Hypertrophic cardiomyopathy 9. Last evaluated: 2018-10-31. Review status: criteria provided, single submitter. Criteria: ACMG Guidelines, 2015. Collection method: clinical testing. Allele origin: unknown.

Eurofins Ntd Llc (ga)
Classification: Uncertain significance. Last evaluated: 2017-11-21. Review status: criteria provided, single submitter. Criteria: EGL Classification Definitions 2015. Collection method: clinical testing. Allele origin: germline. Observed: 1 variant allele, 1 heterozygote.